The following is an entry in ClinVar:

NM_022489.4(INF2):c.798C>G (p.Val266=)

Gene: INF2 (inverted formin 2; plus strand). Cytogenetic location: 14q32.33.
Variant type: single nucleotide variant.
Coding change: c.798C>G on transcript NM_022489.4 (MANE Select); coding-DNA position 798, C replaced by G.
Protein change: p.Val266=; no amino-acid change (valine 266 retained).
Molecular consequence: synonymous variant.
Genome position (GRCh38, 1-based): chr14:104,706,131, C>G. VCF-style: chr14-104706131-C-G. GRCh37 (hg19) VCF-style: chr14-105172468-C-G.
Other names: c.798C>G, p.Val266= (NM_001031714.4).
Identifiers: ClinVar variation 507967 (VCV000507967.25), dbSNP rs375005967, ClinGen allele CA7372424.

ClinVar aggregate classification (germline): Likely benign. Review status: criteria provided, multiple submitters, no conflicts (2 of 4 stars). 8 submissions from 8 submitters: Likely benign (8). Last evaluated 2025-09-05.

Conditions:
Focal segmental glomerulosclerosis (FSGS). Also called: Glomerulosclerosis, focal; Focal sclerosis with hyalinosis. Identifiers: MedGen C0017668, MONDO:0100313, HP:0000097. Disease mechanism: loss of function.
Inborn genetic diseases. Identifiers: MedGen C0950123, MeSH D030342.
Focal segmental glomerulosclerosis 5 (FSGS5). Identifiers: Orphanet 656, MedGen C2750475, MONDO:0013191, OMIM 613237.
INF2-related disorder. Also called: INF2-related condition.
Charcot-Marie-Tooth disease dominant intermediate E. Also called: CHARCOT-MARIE-TOOTH NEUROPATHY WITH FOCAL SEGMENTAL GLOMERULONEPHRITIS. Identifiers: Orphanet 93114, MedGen C4302667, MONDO:0013758, OMIM 614455.

Allele frequency attached by ClinVar (database versions not stated): gnomAD 0.00009; TOPMed 0.00013; ESP Exome Variant Server 0.00032.
gnomAD v4.1: 311 of 1,607,868 alleles (0.019%); highest among the groups gnomAD compares: Non-Finnish European, 0.025%; no homozygotes.

Submissions (8):

PreventionGenetics, part of Exact Sciences
Classification: Likely benign for INF2-related condition. Last evaluated: 2025-09-05. Review status: criteria provided, single submitter. Criteria: ACMG Guidelines, 2015. Collection method: clinical testing. Allele origin: germline.
Comment: This variant is classified as likely benign based on ACMG/AMP sequence variant interpretation guidelines (Richards et al. 2015 PMID: 25741868, with internal and published modifications).

Labcorp Genetics (formerly Invitae), Labcorp
Classification: Likely benign for Charcot-Marie-Tooth disease dominant intermediate E; Focal segmental glomerulosclerosis 5. Last evaluated: 2025-07-31. Review status: criteria provided, single submitter. Criteria: Invitae Variant Classification Sherloc (09022015). Collection method: clinical testing. Allele origin: germline.

Blueprint Genetics
Classification: Likely benign. Last evaluated: 2024-09-03. Review status: criteria provided, single submitter. Criteria: ACMG Guidelines, 2015. Collection method: clinical testing. Allele origin: germline.

Fulgent Genetics
Classification: Likely benign for Focal segmental glomerulosclerosis 5; Charcot-Marie-Tooth disease dominant intermediate E. Last evaluated: 2022-04-01. Review status: criteria provided, single submitter. Criteria: ACMG Guidelines, 2015. Collection method: clinical testing. Allele origin: unknown.

GeneDx
Classification: Likely benign. Last evaluated: 2020-12-16. Review status: criteria provided, single submitter. Criteria: GeneDx Variant Classification Process June 2021. Collection method: clinical testing. Allele origin: germline. Affected: yes.

Genome Diagnostics Laboratory, The Hospital for Sick Children
Classification: Likely benign for Focal segmental glomerulosclerosis. Last evaluated: 2019-11-01. Review status: criteria provided, single submitter. Criteria: ACMG Guidelines, 2015. Collection method: clinical testing. Allele origin: germline.

Ambry Genetics
Classification: Likely benign for Inborn genetic diseases. Last evaluated: 2019-07-11. Review status: criteria provided, single submitter. Criteria: Ambry Variant Classification Scheme 2023. Collection method: clinical testing. Allele origin: germline.

Illumina Laboratory Services, Illumina
Classification: Likely benign for Focal segmental glomerulosclerosis 5. Last evaluated: 2018-01-12. Review status: criteria provided, single submitter. Criteria: ICSL Variant Classification Criteria 13 December 2019. Collection method: clinical testing. Allele origin: germline.
Comment: This variant was observed in the ICSL laboratory as part of a predisposition screen in an ostensibly healthy population. It had not been previously curated by ICSL or reported in the Human Gene Mutation Database (HGMD: prior to June 1st, 2018), and was therefore a candidate for classification through an automated scoring system. Utilizing variant allele frequency, disease prevalence and penetrance estimates, and inheritance mode, an automated score was calculated to assess if this variant is too frequent to cause the disease. Based on the score and internal cut-off values, a variant classified as likely benign is not then subjected to further curation. The score for this variant resulted in a classification of likely benign for this disease.